The following is an entry in ClinVar:

ClinVar aggregate classification (germline): Likely benign. Review status: criteria provided, multiple submitters, no conflicts (2 of 4 stars). 2 submissions from 2 submitters: Likely benign (2). Last evaluated 2026-02-01.

Allele frequency attached by ClinVar (database versions not stated): ExAC 0.00002; gnomAD 0.00002.
gnomAD v4.1: 19 of 1,613,830 alleles (0.0012%); highest among the groups gnomAD compares: African/African-American, 0.0067%; no homozygotes.

Submissions (2):

CeGaT Center for Human Genetics Tuebingen
Classification: Likely benign. Last evaluated: 2026-02-01. Review status: criteria provided, single submitter. Criteria: CeGaT Center For Human Genetics Tuebingen Variant Classification Criteria Version 2. Collection method: clinical testing. Allele origin: germline. Affected: yes. Observed: 1 variant allele.
Comment: XPC: BP4, BP7

Labcorp Genetics (formerly Invitae), Labcorp
Classification: Likely benign. Last evaluated: 2025-12-27. Review status: criteria provided, single submitter. Criteria: Invitae Variant Classification Sherloc (09022015). Collection method: clinical testing. Allele origin: germline.

NM_004628.5(XPC):c.2244C>T (p.Asp748=)

Gene: XPC (XPC complex subunit, DNA damage recognition and repair factor; minus strand). Cytogenetic location: 3p25.1.
Variant type: single nucleotide variant.
Coding change: c.2244C>T on transcript NM_004628.5 (MANE Select); coding-DNA position 2244, C replaced by T.
Protein change: p.Asp748=; no amino-acid change (aspartic acid 748 retained).
Molecular consequence: synonymous variant. On other transcripts: non-coding transcript variant (2).
Genome position (GRCh38, 1-based): chr3:14,148,820, G>A on the plus strand (C>T on the coding strand, the complement: XPC is on the minus strand). VCF-style: chr3-14148820-G-A. GRCh37 (hg19) VCF-style: chr3-14190320-G-A.
Other names: c.1665C>T, p.Asp555= (NM_001354726.2); c.2238C>T, p.Asp746= (NM_001354727.2); c.2226C>T, p.Asp742= (NM_001354729.2); c.1998C>T, p.Asp666= (NM_001354730.2).
Identifiers: ClinVar variation 1570910 (VCV001570910.12), dbSNP rs780614163, ClinGen allele CA2267225.